The following is an entry in ClinVar:

NM_138694.4(PKHD1):c.9383A>C (p.His3128Pro)

Gene: PKHD1 (PKHD1 ciliary IPT domain containing fibrocystin/polyductin; minus strand). Cytogenetic location: 6p12.3.
Variant type: single nucleotide variant.
Coding change: c.9383A>C on transcript NM_138694.4 (MANE Select); coding-DNA position 9383, A replaced by C.
Protein change: p.His3128Pro; replaces histidine 3128 with proline.
Molecular consequence: missense variant.
Genome position (GRCh38, 1-based): chr6:51,748,233, T>G on the plus strand (A>C on the coding strand, the complement: PKHD1 is on the minus strand). VCF-style: chr6-51748233-T-G. GRCh37 (hg19) VCF-style: chr6-51613031-T-G.
Other names: c.9383A>C, p.His3128Pro (NM_170724.3); short protein forms H3128P.
Identifiers: ClinVar variation 1326142 (VCV001326142.2), dbSNP rs1290111165, ClinGen allele CA364421192.

ClinVar aggregate classification (germline): Uncertain significance (1 of 4 stars; one submission).

gnomAD v4.1: 9 of 1,614,096 alleles (0.00056%); highest among the groups gnomAD compares: Non-Finnish European, 0.00076%; no homozygotes.

Submission:

GeneDx
Classification: Uncertain significance. Last evaluated: 2021-05-20. Review status: criteria provided, single submitter. Criteria: GeneDx Variant Classification Process June 2021. Collection method: clinical testing. Allele origin: germline. Affected: yes.
Comment: Not observed in large population cohorts (Lek et al., 2016); In silico analysis supports that this missense variant has a deleterious effect on protein structure/function; Has not been previously published as pathogenic or benign to our knowledge